The following is an entry in ClinVar:

NM_000179.3(MSH6):c.2857G>T (p.Glu953Ter)

Gene: MSH6 (mutS homolog 6; plus strand). Cytogenetic location: 2p16.3.
Variant type: single nucleotide variant.
Coding change: c.2857G>T on transcript NM_000179.3 (MANE Select); coding-DNA position 2857, G replaced by T.
Protein change: p.Glu953Ter; replaces glutamic acid 953 with a stop codon.
Molecular consequence: nonsense.
Genome position (GRCh38, 1-based): chr2:47,800,840, G>T. VCF-style: chr2-47800840-G-T. GRCh37 (hg19) VCF-style: chr2-48027979-G-T.
Other names: c.2467G>T, p.Glu823Ter (NM_001281492.2); c.1951G>T, p.Glu651Ter (NM_001281493.2, NM_001281494.2, NM_001406811.1 and 6 more transcripts); c.2953G>T, p.Glu985Ter (NM_001406795.1, NM_001406802.1); c.2857G>T, p.Glu953Ter (NM_001406796.1, NM_001406808.1, NM_001406809.1 and 2 more transcripts); c.2863G>T, p.Glu955Ter (NM_001406813.1); c.2560G>T, p.Glu854Ter (NM_001406818.1, NM_001406830.1, NM_001406797.1 and 10 more transcripts); c.802G>T, p.Glu268Ter (NM_001407362.1); c.2332G>T, p.Glu778Ter (NM_001406799.1, NM_001406806.1, NM_001406807.1); and 2 more; short protein forms E778*, E953*, E985*, E268*, E651*, E897*, E927*, E823*.
Identifiers: ClinVar variation 2046823 (VCV002046823.4), dbSNP rs753034685, ClinGen allele CA346755898.

ClinVar aggregate classification (germline): Pathogenic (1 of 4 stars; one submission).

Conditions:
Hereditary nonpolyposis colorectal neoplasms. Identifiers: MedGen C0009405, MeSH D003123.

Submission:

Labcorp Genetics (formerly Invitae), Labcorp
Classification: Pathogenic for Hereditary nonpolyposis colorectal neoplasms. Last evaluated: 2021-12-18. Review status: criteria provided, single submitter. Criteria: Invitae Variant Classification Sherloc (09022015). Collection method: clinical testing. Allele origin: germline.
Comment: For these reasons, this variant has been classified as Pathogenic. This variant has not been reported in the literature in individuals affected with MSH6-related conditions. This variant is not present in population databases (gnomAD no frequency). This sequence change creates a premature translational stop signal (p.Glu953*) in the MSH6 gene. It is expected to result in an absent or disrupted protein product. Loss-of-function variants in MSH6 are known to be pathogenic (PMID: 18269114, 24362816).

Literature cited by the submitters: PubMed 18269114; PubMed 24362816.